The following is an entry in ClinVar:

ClinVar aggregate classification (germline): Uncertain significance (1 of 4 stars; one submission).

Allele frequency attached by ClinVar (database versions not stated): gnomAD 0.00001; gnomAD exomes 0.00001; TOPMed 0.00001; ExAC 0.00003.
gnomAD v4.1: 19 of 1,613,156 alleles (0.0012%); highest among the groups gnomAD compares: Admixed American, 0.03%; no homozygotes.

Submission:

Labcorp Genetics (formerly Invitae), Labcorp
Classification: Uncertain significance. Last evaluated: 2025-10-21. Review status: criteria provided, single submitter. Criteria: Invitae Variant Classification Sherloc (09022015). Collection method: clinical testing. Allele origin: germline.
Comment: This sequence change replaces valine, which is neutral and non-polar, with methionine, which is neutral and non-polar, at codon 1984 of the MYO18B protein (p.Val1984Met). This variant is present in population databases (rs770281929, gnomAD 0.03%). This variant has not been reported in the literature in individuals affected with MYO18B-related conditions. ClinVar contains an entry for this variant (Variation ID: 1944935). An algorithm developed to predict the effect of missense changes on protein structure and function (PolyPhen-2) suggests that this variant is likely to be disruptive. In summary, the available evidence is currently insufficient to determine the role of this variant in disease. Therefore, it has been classified as a Variant of Uncertain Significance.

NM_032608.7(MYO18B):c.5950G>A (p.Val1984Met)

Gene: MYO18B (myosin XVIIIB; plus strand). Cytogenetic location: 22q12.1.
Variant type: single nucleotide variant.
Coding change: c.5950G>A on transcript NM_032608.7 (MANE Select); coding-DNA position 5950, G replaced by A.
Protein change: p.Val1984Met; replaces valine 1984 with methionine.
Molecular consequence: missense variant.
Genome position (GRCh38, 1-based): chr22:25,952,403, G>A. VCF-style: chr22-25952403-G-A. GRCh37 (hg19) VCF-style: chr22-26348369-G-A.
Other names: c.5953G>A, p.Val1985Met (NM_001318245.2); short protein forms V1984M, V1985M.
Identifiers: ClinVar variation 1944935 (VCV001944935.4), dbSNP rs770281929, ClinGen allele CA10161336.